The following is an entry in ClinVar:

ClinVar aggregate classification (germline): Uncertain significance (1 of 4 stars; one submission).

Submission:

Labcorp Genetics (formerly Invitae), Labcorp
Classification: Uncertain significance. Last evaluated: 2025-11-13. Review status: criteria provided, single submitter. Criteria: Invitae Variant Classification Sherloc (09022015). Collection method: clinical testing. Allele origin: germline.
Comment: This sequence change replaces leucine, which is neutral and non-polar, with phenylalanine, which is neutral and non-polar, at codon 17 of the FBLN5 protein (p.Leu17Phe). This variant is not present in population databases (gnomAD no frequency). This variant has not been reported in the literature in individuals affected with FBLN5-related conditions. An algorithm developed to predict the effect of missense changes on protein structure and function (PolyPhen-2) suggests that this variant is likely to be tolerated. In summary, the available evidence is currently insufficient to determine the role of this variant in disease. Therefore, it has been classified as a Variant of Uncertain Significance.

NM_006329.4(FBLN5):c.49C>T (p.Leu17Phe)

Gene: FBLN5 (fibulin 5; minus strand). Cytogenetic location: 14q32.12.
Variant type: single nucleotide variant.
Coding change: c.49C>T on transcript NM_006329.4 (MANE Select); coding-DNA position 49, C replaced by T.
Protein change: p.Leu17Phe; replaces leucine 17 with phenylalanine.
Molecular consequence: missense variant. On other transcripts: 5 prime UTR variant (2).
Genome position (GRCh38, 1-based): chr14:91,942,930, G>A on the plus strand (C>T on the coding strand, the complement: FBLN5 is on the minus strand). VCF-style: chr14-91942930-G-A. GRCh37 (hg19) VCF-style: chr14-92409274-G-A.
Other names: c.49C>T, p.Leu17Phe (NM_001384158.1, NM_001384160.1); c.100C>T, p.Leu34Phe (NM_001384159.1); c.-221C>T (NM_001384161.1, NM_001384162.1); short protein forms L34F, L17F.
Identifiers: ClinVar variation 4718355 (VCV004718355.1).